The following is an entry in ClinVar:

NM_004004.6(GJB2):c.433_435del (p.Ile145del)

Gene: GJB2 (gap junction protein beta 2; minus strand). Cytogenetic location: 13q12.11.
Variant type: Deletion.
Coding change: c.433_435del on transcript NM_004004.6 (MANE Select); coding-DNA positions 433 to 435, 3 bases deleted (ATC; older notation c.433_435delATC).
Protein change: p.Ile145del; deletes isoleucine 145.
Molecular consequence: inframe deletion.
Genome position (GRCh38, 1-based): chr13:20,189,147-20,189,149, GAT deleted on the plus strand (ATC on the coding strand, the reverse complement: GJB2 is on the minus strand); deleting any 3 consecutive bases within chr13:20,189,147-20,189,151 gives the same sequence; the c. name uses the placement nearest the transcript's 3' end. VCF-style (leftmost placement, unchanged base first): chr13-20189146-AGAT-A. GRCh37 (hg19) VCF-style: chr13-20763285-AGAT-A.
Other names: short protein forms I145del.
Identifiers: ClinVar variation 1989144 (VCV001989144.1), dbSNP rs984601006, ClinGen allele CA246460156.

ClinVar aggregate classification (germline): Uncertain significance (1 of 4 stars; one submission).

Submission:

Labcorp Genetics (formerly Invitae), Labcorp
Classification: Uncertain significance. Last evaluated: 2021-08-26. Review status: criteria provided, single submitter. Criteria: Invitae Variant Classification Sherloc (09022015). Collection method: clinical testing. Allele origin: germline.
Comment: This variant, c.433_435del, results in the deletion of 1 amino acid(s) of the GJB2 protein (p.Ile145del), but otherwise preserves the integrity of the reading frame. This variant is not present in population databases (ExAC no frequency). This variant has been observed in individual(s) with deafness (Invitae). In at least one individual the data is consistent with the variant being in trans (on the opposite chromosome) from a pathogenic variant. Experimental studies and prediction algorithms are not available or were not evaluated, and the functional significance of this variant is currently unknown. In summary, the available evidence is currently insufficient to determine the role of this variant in disease. Therefore, it has been classified as a Variant of Uncertain Significance.